The following is an entry in ClinVar:

NM_016011.5(MECR):c.283G>A (p.Gly95Arg)

Gene: MECR (mitochondrial trans-2-enoyl-CoA reductase; minus strand). Cytogenetic location: 1p35.3.
Variant type: single nucleotide variant.
Coding change: c.283G>A on transcript NM_016011.5 (MANE Select); coding-DNA position 283, G replaced by A.
Protein change: p.Gly95Arg; replaces glycine 95 with arginine.
Molecular consequence: missense variant. On other transcripts: non-coding transcript variant (4).
Genome position (GRCh38, 1-based): chr1:29,216,128, C>T on the plus strand (G>A on the coding strand, the complement: MECR is on the minus strand). VCF-style: chr1-29216128-C-T. GRCh37 (hg19) VCF-style: chr1-29542640-C-T.
Other names: c.283G>A (NM_016011.2); c.55G>A, p.Gly19Arg (NM_001024732.4, NM_001349711.2, NM_001349712.2 and 2 more transcripts); c.388G>A, p.Gly130Arg (NM_001349715.2); c.367G>A, p.Gly123Arg (NM_001349716.2); c.133G>A, p.Gly45Arg (NM_001349717.2); short protein forms G123R, G130R, G19R, G45R, G95R.
Identifiers: ClinVar variation 3606299 (VCV003606299.3).

ClinVar aggregate classification (germline): Uncertain significance. Review status: criteria provided, multiple submitters, no conflicts (2 of 4 stars). 2 submissions from 2 submitters: Uncertain significance (2). Last evaluated 2024-09-10.

gnomAD v4.1: 30 of 1,613,518 alleles (0.0019%); highest among the groups gnomAD compares: South Asian, 0.0066%; no homozygotes.

Submissions (3):

GeneDx
Classification: Uncertain significance. Last evaluated: 2024-09-10. Review status: criteria provided, single submitter. Criteria: GeneDx Variant Classification Process June 2021. Collection method: clinical testing. Allele origin: germline. Affected: yes.
Comment: Not observed at significant frequency in large population cohorts (gnomAD); In silico analysis indicates that this missense variant does not alter protein structure/function; Has not been previously published as pathogenic or benign to our knowledge

Labcorp Genetics (formerly Invitae), Labcorp
Classification: Uncertain significance. Last evaluated: 2024-08-02. Review status: criteria provided, single submitter. Criteria: Invitae Variant Classification Sherloc (09022015). Collection method: clinical testing. Allele origin: germline.
Comment: This sequence change replaces glycine, which is neutral and non-polar, with arginine, which is basic and polar, at codon 95 of the MECR protein (p.Gly95Arg). This variant is present in population databases (rs755018004, gnomAD 0.01%). This variant has not been reported in the literature in individuals affected with MECR-related conditions. Advanced modeling of protein sequence and biophysical properties (such as structural, functional, and spatial information, amino acid conservation, physicochemical variation, residue mobility, and thermodynamic stability) performed at Invitae indicates that this missense variant is not expected to disrupt MECR protein function with a negative predictive value of 80%. In summary, the available evidence is currently insufficient to determine the role of this variant in disease. Therefore, it has been classified as a Variant of Uncertain Significance.

Dr. Peter K. Rogan Lab, Western University
No classification provided (evidence only). Condition: Malignant tumor of urinary bladder. Review status: no classification provided. Collection method: in vitro. Allele origin: not applicable. Functional consequence: retained intron. Not counted in ClinVar's aggregate classification.